The following is an entry in ClinVar:

ClinVar aggregate classification (germline): Uncertain significance (1 of 4 stars; one submission).

Submission:

GeneDx
Classification: Uncertain significance. Last evaluated: 2025-03-12. Review status: criteria provided, single submitter. Criteria: GeneDx Variant Classification Process June 2021. Collection method: clinical testing. Allele origin: germline. Affected: yes.
Comment: Not observed at significant frequency in large population cohorts (gnomAD); In silico analysis indicates that this missense variant does not alter protein structure/function; Has not been previously published as pathogenic or benign to our knowledge

NM_133433.4(NIPBL):c.401A>T (p.His134Leu)

Gene: NIPBL (NIPBL cohesin loading factor; plus strand). Cytogenetic location: 5p13.2.
Variant type: single nucleotide variant.
Coding change: c.401A>T on transcript NM_133433.4 (MANE Select); coding-DNA position 401, A replaced by T.
Protein change: p.His134Leu; replaces histidine 134 with leucine.
Molecular consequence: missense variant.
Genome position (GRCh38, 1-based): chr5:36,961,526, A>T. VCF-style: chr5-36961526-A-T. GRCh37 (hg19) VCF-style: chr5-36961628-A-T.
Other names: c.401A>T, p.His134Leu (NM_001438586.1, NM_015384.5); short protein forms H134L.
Identifiers: ClinVar variation 4083164 (VCV004083164.1).